The following is an entry in ClinVar:

ClinVar aggregate classification (germline): Likely benign (1 of 4 stars; one submission).

Allele frequency attached by ClinVar (database versions not stated): 1000 Genomes Project 30x 0.00187; 1000 Genomes Project 0.00200; ExAC 0.00333; gnomAD 0.00400; TOPMed 0.00418; ESP Exome Variant Server 0.00531.

Submission:

CeGaT Center for Human Genetics Tuebingen
Classification: Likely benign. Last evaluated: 2023-08-01. Review status: criteria provided, single submitter. Criteria: CeGaT Center For Human Genetics Tuebingen Variant Classification Criteria Version 2. Collection method: clinical testing. Allele origin: germline. Affected: yes. Observed: 2 variant alleles.
Comment: HRCT1: BP4, BS2

NM_001039792.2(HRCT1):c.220C>T (p.Arg74Cys)

Gene: HRCT1 (histidine rich carboxyl terminus 1; plus strand). Cytogenetic location: 9p13.3.
Variant type: single nucleotide variant.
Coding change: c.220C>T on transcript NM_001039792.2 (MANE Select); coding-DNA position 220, C replaced by T.
Protein change: p.Arg74Cys; replaces arginine 74 with cysteine.
Molecular consequence: missense variant.
Genome position (GRCh38, 1-based): chr9:35,906,507, C>T. VCF-style: chr9-35906507-C-T. GRCh37 (hg19) VCF-style: chr9-35906504-C-T.
Other names: short protein forms R74C.
Identifiers: ClinVar variation 2659185 (VCV002659185.24), dbSNP rs141107455, ClinGen allele CA5053981.